The following is an entry in ClinVar:

NM_001042492.3(NF1):c.60+2T>C

Genes: MIR4733HG (MIR4733 host gene; minus strand), NF1 (neurofibromin 1; plus strand), LOC111811965 (NF1 (neurofibromin 1) promoter region; plus strand). Cytogenetic location: 17q11.2.
Variant type: single nucleotide variant.
Coding change: c.60+2T>C on transcript NM_001042492.3 (MANE Select); the canonical splice donor site of the intron after coding-DNA position 60, T replaced by C.
Molecular consequence: splice donor variant. On other transcripts: non-coding transcript variant (1).
Genome position (GRCh38, 1-based): chr17:31,095,371, T>C. VCF-style: chr17-31095371-T-C. GRCh37 (hg19) VCF-style: chr17-29422389-T-C.
Other names: c.60+2T>C (NM_000267.4, NM_001128147.3).
Identifiers: ClinVar variation 1069238 (VCV001069238.10), dbSNP rs2143145948, ClinGen allele CA398979453.

ClinVar aggregate classification (germline): Pathogenic/Likely pathogenic. Review status: criteria provided, multiple submitters, no conflicts (2 of 4 stars). 4 submissions from 4 submitters: Pathogenic (1); Likely pathogenic (3). Last evaluated 2026-06-01.

Conditions:
Cardiovascular phenotype. Identifiers: MedGen CN230736.
Hereditary cancer-predisposing syndrome. Also called: Hereditary neoplastic syndrome; Neoplastic Syndromes, Hereditary; Tumor predisposition; Hereditary Cancer Syndrome. Identifiers: Orphanet 140162, MedGen C0027672, MeSH D009386, MONDO:0015356.
Neurofibromatosis, familial spinal (FSNF). Identifiers: Orphanet 636, MedGen C1834235, MONDO:0008078, OMIM 162210. Disease mechanism: loss of function.
Juvenile myelomonocytic leukemia (JMML). Also called: LEUKEMIA, JUVENILE MYELOMONOCYTIC, SOMATIC. Identifiers: Orphanet 86834, MedGen C0349639, MONDO:0011908, OMIM 607785, HP:0012209.
Neurofibromatosis, type 1 (NF1). Also called: NEUROFIBROMATOSIS, TYPE I, SOMATIC; Neurofibromatosis, type I; VON RECKLINGHAUSEN DISEASE; Peripheral type neurofibromatosis. Identifiers: Orphanet 636, MedGen C0027831, MONDO:0018975, OMIM 162200. Disease mechanism: loss of function.
Neurofibromatosis-Noonan syndrome (NFNS). Also called: NEUROFIBROMATOSIS WITH NOONAN PHENOTYPE. Identifiers: Orphanet 638, MedGen C2931482, MONDO:0011035, OMIM 601321. Disease mechanism: loss of function.
Café-au-lait macules with pulmonary stenosis (WTSN). Also called: PULMONIC STENOSIS WITH CAFE-AU-LAIT SPOTS. Identifiers: MedGen C0553586, MONDO:0008672, OMIM 193520.

Submissions (4):

Ambry Genetics
Classification: Likely pathogenic for Cardiovascular phenotype; Hereditary cancer-predisposing syndrome. Last evaluated: 2026-06-01. Review status: criteria provided, single submitter. Criteria: Ambry Variant Classification Scheme 2023. Collection method: clinical testing. Allele origin: germline.
Comment: The c.60+2T>C intronic variant results from a T to C substitution two nucleotides after coding exon 1 in the NF1 gene. This nucleotide position is highly conserved in available vertebrate species. In silico splice site analysis predicts that this alteration will weaken the native splice donor site and may result in the creation or strengthening of a novel splice donor site. This variant is considered to be rare based on population cohorts in the Genome Aggregation Database (gnomAD). Alterations that disrupt the canonical splice site are expected to cause aberrant splicing, resulting in an abnormal protein or a transcript that is subject to nonsense-mediated mRNA decay. As such, this alteration is classified as likely pathogenic.

Clinical Genetics Laboratory, Skane University Hospital Lund
Classification: Likely pathogenic for Neurofibromatosis, type 1. Last evaluated: 2025-04-09. Review status: criteria provided, single submitter. Criteria: ACMG Guidelines, 2015. Collection method: clinical testing. Allele origin: germline. Affected: yes.
Comment: PS4_moderate, PM2, PP3 and PP4

Fulgent Genetics
Classification: Likely pathogenic for Neurofibromatosis, type 1; Neurofibromatosis, familial spinal; Café-au-lait macules with pulmonary stenosis; Neurofibromatosis-Noonan syndrome; Juvenile myelomonocytic leukemia. Last evaluated: 2024-05-14. Review status: criteria provided, single submitter. Criteria: ACMG Guidelines, 2015. Collection method: clinical testing. Allele origin: germline.

Labcorp Genetics (formerly Invitae), Labcorp
Classification: Pathogenic for Neurofibromatosis, type 1. Last evaluated: 2020-02-17. Review status: criteria provided, single submitter. Criteria: Invitae Variant Classification Sherloc (09022015). Collection method: clinical testing. Allele origin: germline.
Comment: Algorithms developed to predict the effect of sequence changes on RNA splicing suggest that this variant may disrupt the consensus splice site, but this prediction has not been confirmed by published transcriptional studies. For these reasons, this variant has been classified as Pathogenic. Donor and acceptor splice site variants typically lead to a loss of protein function (PMID: 16199547), and loss-of-function variants in NF1 are known to be pathogenic (PMID: 10712197, 23913538). Disruption of this splice site has been observed in individual(s) with clinical features of neurofibromatosis 1 (PMID: 18484666, 25541118, Invitae). The frequency data for this variant in the population databases is considered unreliable, as metrics indicate insufficient coverage at this position in the ExAC database. This sequence change affects a donor splice site in intron 1 of the NF1 gene. It is expected to disrupt RNA splicing and likely results in an absent or disrupted protein product.

Literature cited by the submitters: PubMed 16199547 (cited by Labcorp Genetics (formerly Invitae), Labcorp); PubMed 10712197 (cited by Labcorp Genetics (formerly Invitae), Labcorp); PubMed 23913538 (cited by Labcorp Genetics (formerly Invitae), Labcorp); PubMed 18484666 (cited by Labcorp Genetics (formerly Invitae), Labcorp); PubMed 25541118 (cited by Labcorp Genetics (formerly Invitae), Labcorp).